The following is an entry in ClinVar:

ClinVar aggregate classification (germline): Uncertain significance (1 of 4 stars; one submission).

Conditions:
Dyskeratosis congenita. Identifiers: Orphanet 1775, MedGen C0265965, MONDO:0015780.

Submission:

Labcorp Genetics (formerly Invitae), Labcorp
Classification: Uncertain significance for Dyskeratosis congenita. Last evaluated: 2023-02-06. Review status: criteria provided, single submitter. Criteria: Invitae Variant Classification Sherloc (09022015). Collection method: clinical testing. Allele origin: germline.
Comment: In summary, the available evidence is currently insufficient to determine the role of this variant in disease. Therefore, it has been classified as a Variant of Uncertain Significance. Algorithms developed to predict the effect of sequence changes on RNA splicing suggest that this variant may create or strengthen a splice site. This variant has not been reported in the literature in individuals affected with CTC1-related conditions. This variant is not present in population databases (gnomAD no frequency). This sequence change affects codon 686 of the CTC1 mRNA. It is a 'silent' change, meaning that it does not change the encoded amino acid sequence of the CTC1 protein.

NM_025099.6(CTC1):c.2058C>A (p.Ala686=)

Gene: CTC1 (CST telomere replication complex component 1; minus strand). Cytogenetic location: 17p13.1.
Variant type: single nucleotide variant.
Coding change: c.2058C>A on transcript NM_025099.6 (MANE Select); coding-DNA position 2058, C replaced by A.
Protein change: p.Ala686=; no amino-acid change (alanine 686 retained).
Molecular consequence: synonymous variant. On other transcripts: non-coding transcript variant (1).
Genome position (GRCh38, 1-based): chr17:8,232,363, G>T on the plus strand (C>A on the coding strand, the complement: CTC1 is on the minus strand). VCF-style: chr17-8232363-G-T. GRCh37 (hg19) VCF-style: chr17-8135681-G-T.
Other names: c.2058C>A, p.Ala686= (NM_001411067.1).
Identifiers: ClinVar variation 2742419 (VCV002742419.3), dbSNP rs2507901907, ClinGen allele CA497780538.
Genomic context (GRCh38, chr17:8,232,363, plus strand): 5'-TCCACCAGGCCCTTCCTTCCCCCCAGACTCAAGACAACCATGACCCCAAGGAGCCAACCT[G>T]GCCTGCTGCTTCTGGATGAAGCCTGGCATGCTCAGCTCCTTCCAGGAAGGGAAGCTGCTT-3'
Protein context (NP_079375.3, residues 676-696): SMPGFIQKQQ[Ala686=]RVYVQFFLAD